The following is an entry in ClinVar:

ClinVar aggregate classification (germline): Pathogenic/Likely pathogenic. Review status: criteria provided, multiple submitters, no conflicts (2 of 4 stars). 2 submissions from 2 submitters: Pathogenic (1); Likely pathogenic (1). Last evaluated 2024-02-14.

Conditions:
Ehlers-Danlos syndrome, classic type (cEDS). Identifiers: Orphanet 287, MedGen C4225429, MONDO:0007522.
Ehlers-Danlos syndrome, classic type, 1 (EDSCL1). Also called: Ehlers-Danlos syndrome, type 1; EHLERS-DANLOS SYNDROME, GRAVIS TYPE; EHLERS-DANLOS SYNDROME, SEVERE CLASSIC TYPE; EDS I; Ehlers-Danlos Syndrome, Classic Type, COL5A1-Related. Identifiers: MedGen C0268335, MONDO:0019567, OMIM 130000.

Submissions (2):

Labcorp Genetics (formerly Invitae), Labcorp
Classification: Pathogenic for Ehlers-Danlos syndrome, classic type, 1. Last evaluated: 2024-02-14. Review status: criteria provided, single submitter. Criteria: Invitae Variant Classification Sherloc (09022015). Collection method: clinical testing. Allele origin: germline.
Comment: This sequence change replaces glutamic acid, which is acidic and polar, with lysine, which is basic and polar, at codon 1292 of the COL5A1 protein (p.Glu1292Lys). RNA analysis indicates that this missense change induces altered splicing and may result in an absent or disrupted protein product. This variant is not present in population databases (gnomAD no frequency). This missense change has been observed in individual(s) with classic Ehlers-Danlos syndrome (PMID: 19370768, 22696272). ClinVar contains an entry for this variant (Variation ID: 955996). Advanced modeling of protein sequence and biophysical properties (such as structural, functional, and spatial information, amino acid conservation, physicochemical variation, residue mobility, and thermodynamic stability) performed at Invitae indicates that this missense variant is not expected to disrupt COL5A1 protein function with a negative predictive value of 95%. Studies have shown that this missense change results in activation of a cryptic splice site and introduces a premature termination codon (PMID: 19370768). The resulting mRNA is expected to undergo nonsense-mediated decay. For these reasons, this variant has been classified as Pathogenic.

Institute of Medical Genetics and Applied Genomics, University Hospital Tübingen
Classification: Likely pathogenic for Ehlers-Danlos syndrome, classic type. Last evaluated: 2023-09-18. Review status: criteria provided, single submitter. Criteria: ACMG Guidelines, 2015. Collection method: clinical testing. Allele origin: germline. Inheritance: Autosomal dominant inheritance. Affected: yes.

Literature cited by the submitters: PubMed 19370768 (cited by Labcorp Genetics (formerly Invitae), Labcorp); PubMed 22696272 (cited by Labcorp Genetics (formerly Invitae), Labcorp).

NM_000093.5(COL5A1):c.3874G>A (p.Glu1292Lys)

Gene: COL5A1 (collagen type V alpha 1 chain; plus strand). Cytogenetic location: 9q34.3.
Variant type: single nucleotide variant.
Coding change: c.3874G>A on transcript NM_000093.5 (MANE Select); coding-DNA position 3874, G replaced by A.
Protein change: p.Glu1292Lys; replaces glutamic acid 1292 with lysine.
Molecular consequence: missense variant.
Genome position (GRCh38, 1-based): chr9:134,814,004, G>A. VCF-style: chr9-134814004-G-A. GRCh37 (hg19) VCF-style: chr9-137705850-G-A.
Other names: c.3874G>A, p.Glu1292Lys (NM_001278074.1); short protein forms E1292K.
Identifiers: ClinVar variation 955996 (VCV000955996.11), dbSNP rs1319735007, ClinGen allele CA375455400.
Genomic context (GRCh38, chr9:134,814,004, plus strand): 5'-TGCTCACCGCTGCCATAACCACATGCACTGTCTCCCTAGGGCGAGCCTGGCGAAGCAGGT[G>A]AGCCTGGCCTTCCGGGAGAAGGCGGCCCCCCGGTGAGTGAGCGGGCGCTGCGGGAGGGGT-3'
Protein context (NP_000084.3, residues 1282-1302): GEKGEPGEAG[Glu1292Lys]PGLPGEGGPP